The following is an entry in ClinVar:

ClinVar aggregate classification (germline): Likely benign. Review status: criteria provided, multiple submitters, no conflicts (2 of 4 stars). 3 submissions from 3 submitters: Likely benign (3). Last evaluated 2026-05-01.

Conditions:
Nephronophthisis 14 (NPHP14). Identifiers: Orphanet 2318, MedGen C3539071, MONDO:0013916, OMIM 614844.

Allele frequency attached by ClinVar (database versions not stated): gnomAD 0.00001; TOPMed 0.00001; ExAC 0.00002; gnomAD exomes 0.00003.
gnomAD v4.1: 42 of 1,613,584 alleles (0.0026%); highest among the groups gnomAD compares: East Asian, 0.0045%; no homozygotes.

Submissions (3):

CeGaT Center for Human Genetics Tuebingen
Classification: Likely benign. Last evaluated: 2026-05-01. Review status: criteria provided, single submitter. Criteria: CeGaT Center For Human Genetics Tuebingen Variant Classification Criteria Version 2. Collection method: clinical testing. Allele origin: germline. Affected: yes. Observed: 1 variant allele.
Comment: ZNF423: BP4, BP7

Labcorp Genetics (formerly Invitae), Labcorp
Classification: Likely benign for Nephronophthisis 14. Last evaluated: 2025-02-10. Review status: criteria provided, single submitter. Criteria: Invitae Variant Classification Sherloc (09022015). Collection method: clinical testing. Allele origin: germline.

Blueprint Genetics
Classification: Likely benign. Last evaluated: 2024-06-05. Review status: criteria provided, single submitter. Criteria: ACMG Guidelines, 2015. Collection method: clinical testing. Allele origin: germline.

NM_001379286.1(ZNF423):c.2682C>T (p.Tyr894=)

Gene: ZNF423 (zinc finger protein 423; minus strand). Cytogenetic location: 16q12.1.
Variant type: single nucleotide variant.
Coding change: c.2682C>T on transcript NM_001379286.1 (MANE Select); coding-DNA position 2682, C replaced by T.
Protein change: p.Tyr894=; no amino-acid change (tyrosine 894 retained).
Molecular consequence: synonymous variant.
Genome position (GRCh38, 1-based): chr16:49,636,494, G>A on the plus strand (C>T on the coding strand, the complement: ZNF423 is on the minus strand). VCF-style: chr16-49636494-G-A. GRCh37 (hg19) VCF-style: chr16-49670405-G-A.
Other names: c.2478C>T, p.Tyr826= (NM_001271620.2); c.2307C>T, p.Tyr769= (NM_001330533.2); c.2658C>T, p.Tyr886= (NM_015069.5).
Identifiers: ClinVar variation 2184280 (VCV002184280.7), dbSNP rs763145316, ClinGen allele CA8046449.